The following is an entry in ClinVar:

NM_001105206.3(LAMA4):c.2186A>C (p.Gln729Pro)

Gene: LAMA4 (laminin subunit alpha 4; minus strand). Cytogenetic location: 6q21.
Variant type: single nucleotide variant.
Coding change: c.2186A>C on transcript NM_001105206.3 (MANE Select); coding-DNA position 2186, A replaced by C.
Protein change: p.Gln729Pro; replaces glutamine 729 with proline.
Molecular consequence: missense variant.
Genome position (GRCh38, 1-based): chr6:112,148,324, T>G on the plus strand (A>C on the coding strand, the complement: LAMA4 is on the minus strand). VCF-style: chr6-112148324-T-G. GRCh37 (hg19) VCF-style: chr6-112469526-T-G.
Other names: c.2165A>C, p.Gln722Pro (NM_001105207.3, NM_002290.5); short protein forms Q729P, Q722P.
Identifiers: ClinVar variation 1447166 (VCV001447166.8), dbSNP rs1554335038, ClinGen allele CA365383755.

ClinVar aggregate classification (germline): Uncertain significance (1 of 4 stars; one submission).

Conditions:
Dilated cardiomyopathy 1JJ (CMD1JJ). Identifiers: Orphanet 154, MedGen C3808935, MONDO:0014095, OMIM 615235.

Allele frequency attached by ClinVar (database versions not stated): gnomAD exomes below 0.00001.
gnomAD v4.1: 1 of 1,614,190 alleles (0.000062%); highest among the groups gnomAD compares: East Asian, 0.0022%; no homozygotes.

Submission:

Labcorp Genetics (formerly Invitae), Labcorp
Classification: Uncertain significance for Dilated cardiomyopathy 1JJ. Last evaluated: 2022-07-23. Review status: criteria provided, single submitter. Criteria: Invitae Variant Classification Sherloc (09022015). Collection method: clinical testing. Allele origin: germline.
Comment: This sequence change replaces glutamine, which is neutral and polar, with proline, which is neutral and non-polar, at codon 722 of the LAMA4 protein (p.Gln722Pro). This variant is present in population databases (no rsID available, gnomAD 0.006%). This variant has not been reported in the literature in individuals affected with LAMA4-related conditions. ClinVar contains an entry for this variant (Variation ID: 1447166). In summary, the available evidence is currently insufficient to determine the role of this variant in disease. Therefore, it has been classified as a Variant of Uncertain Significance. Algorithms developed to predict the effect of missense changes on protein structure and function are either unavailable or do not agree on the potential impact of this missense change (SIFT: "Deleterious"; PolyPhen-2: "Possibly Damaging"; Align-GVGD: "Class C15").